The following is an entry in ClinVar:

NM_001267550.2(TTN):c.32021T>C (p.Leu10674Pro)

Gene: TTN (titin; minus strand). Cytogenetic location: 2q31.2.
Variant type: single nucleotide variant.
Coding change: c.32021T>C on transcript NM_001267550.2 (MANE Select); coding-DNA position 32021, T replaced by C.
Protein change: p.Leu10674Pro; replaces leucine 10674 with proline.
Molecular consequence: missense variant. On other transcripts: intron variant (3).
Genome position (GRCh38, 1-based): chr2:178,689,127, A>G on the plus strand (T>C on the coding strand, the complement: TTN is on the minus strand). VCF-style: chr2-178689127-A-G. GRCh37 (hg19) VCF-style: chr2-179553854-A-G.
Other names: c.31070T>C, p.Leu10357Pro (NM_001256850.1); c.28289T>C, p.Leu9430Pro (NM_133378.4); c.13283-46810T>C (NM_003319.4); c.13859-46810T>C (NM_133437.4); c.13658-46810T>C (NM_133432.3); short protein forms L10674P, L10357P, L9430P.
Identifiers: ClinVar variation 405152 (VCV000405152.8), dbSNP rs762662455, ClinGen allele CA1998764.
Genomic context (GRCh38, chr2:178,689,127, plus strand): 5'-GCTTTCTTAGCGACAGGAACTGGCACTGCAACTTTCTCCTCTGGGACGGGTTTCTTAGGC[A>G]GAGCTGGCACTTTAGAGACATTATGCACTTTTAGAAATTTAATGTGATCTCATTGAAGCC-3'
Protein context (NP_001254479.2, residues 10664-10684): EVPPPPKVPA[Leu10674Pro]PKKPVPEEKV

ClinVar aggregate classification (germline): Conflicting classifications of pathogenicity. Review status: criteria provided, conflicting classifications (1 of 4 stars). 4 submissions from 4 submitters: Uncertain significance (3); Likely benign (1). Last evaluated 2025-11-05.

Conditions:
TTN-related disorder. Also called: TTN-related disorders; TTN-related condition; TTN-related disease.
Autosomal recessive limb-girdle muscular dystrophy type 2J (LGMDR10). Also called: Limb-girdle muscular dystrophy, type 2J; MUSCULAR DYSTROPHY, LIMB-GIRDLE, AUTOSOMAL RECESSIVE 10. Identifiers: Orphanet 140922, MedGen C1837342, MONDO:0012127, OMIM 608807.
Dilated cardiomyopathy 1G (CMD1G). Identifiers: Orphanet 154, MedGen C1858763, MONDO:0011400, OMIM 604145.

Allele frequency attached by ClinVar (database versions not stated): gnomAD 0.00002; ExAC 0.00003; gnomAD exomes 0.00003 and 0.00006.
gnomAD v4.1: 22 of 1,606,002 alleles (0.0014%); highest among the groups gnomAD compares: Admixed American, 0.038%; no homozygotes.

Submissions (4):

PreventionGenetics, part of Exact Sciences
Classification: Uncertain significance for TTN-related condition. Last evaluated: 2025-11-05. Review status: criteria provided, single submitter. Criteria: ACMG Guidelines, 2015. Collection method: clinical testing. Allele origin: germline.
Comment: The TTN c.32021T>C variant is predicted to result in the amino acid substitution p.Leu10674Pro. To our knowledge, this variant has not been reported in the literature. This variant is reported in 0.045% of alleles in individuals of Latino descent in gnomAD. At this time, the clinical significance of this variant is uncertain due to the absence of conclusive functional and genetic evidence.

Revvity Omics, Revvity
Classification: Uncertain significance. Last evaluated: 2023-04-25. Review status: criteria provided, single submitter. Criteria: ACMG Guidelines, 2015. Collection method: clinical testing. Allele origin: germline.

GeneDx
Classification: Likely benign. Last evaluated: 2021-03-23. Review status: criteria provided, single submitter. Criteria: GeneDx Variant Classification Process June 2021. Collection method: clinical testing. Allele origin: germline. Affected: yes.

Labcorp Genetics (formerly Invitae), Labcorp
Classification: Uncertain significance for Dilated cardiomyopathy 1G; Autosomal recessive limb-girdle muscular dystrophy type 2J. Last evaluated: 2016-08-25. Review status: criteria provided, single submitter. Criteria: Invitae Variant Classification Sherloc (09022015). Collection method: clinical testing. Allele origin: germline.